The following is an entry in ClinVar:

ClinVar aggregate classification (germline): Uncertain significance (1 of 4 stars; one submission).

Conditions:
Malignant hyperthermia, susceptibility to, 5 (MHS5). Also called: CACNA1S-Related Malignant Hyperthermia Susceptibility. Identifiers: Orphanet 423, MedGen C1866077, MONDO:0011163, OMIM 601887.

gnomAD v4.1: 1 of 1,613,900 alleles (0.000062%); no homozygotes.

Submission:

All of Us Research Program, National Institutes of Health
Classification: Uncertain significance for Malignant hyperthermia, susceptibility to, 5. Last evaluated: 2023-09-17. Review status: criteria provided, single submitter. Criteria: ACMG Guidelines, 2015. Collection method: clinical testing. Allele origin: germline. Inheritance: Autosomal dominant inheritance. Observed: 1 variant allele, 1 heterozygote.
Comment: This missense variant replaces lysine with asparagine at codon 677 of the CACNA1S protein. Computational prediction suggests that this variant may not impact protein structure and function (internally defined REVEL score threshold <= 0.5, PMID: 27666373). To our knowledge, functional studies have not been reported for this variant. This variant has not been reported in individuals affected with CACNA1S-related disorders in the literature. This variant has not been identified in the general population by the Genome Aggregation Database (gnomAD). The available evidence is insufficient to determine the role of this variant in disease conclusively. Therefore, this variant is classified as a Variant of Uncertain Significance.

This study involves interpretation of variants in research participants for the purpose of population health screening. Participant phenotype was not available at the time of variant classification. Additional details can be found in publication PMID: 35346344, PMCID: PMC8962531

NM_000069.3(CACNA1S):c.2031G>C (p.Lys677Asn)

Gene: CACNA1S (calcium voltage-gated channel subunit alpha1 S; minus strand). Cytogenetic location: 1q32.1.
Variant type: single nucleotide variant.
Coding change: c.2031G>C on transcript NM_000069.3 (MANE Select); coding-DNA position 2031, G replaced by C.
Protein change: p.Lys677Asn; replaces lysine 677 with asparagine.
Molecular consequence: missense variant.
Genome position (GRCh38, 1-based): chr1:201,074,538, C>G on the plus strand (G>C on the coding strand, the complement: CACNA1S is on the minus strand). VCF-style: chr1-201074538-C-G. GRCh37 (hg19) VCF-style: chr1-201043666-C-G.
Other names: short protein forms K677N.
Identifiers: ClinVar variation 3073492 (VCV003073492.1), dbSNP rs2464554328, ClinGen allele CA344114561.
Genomic context (GRCh38, chr1:201,074,538, plus strand): 5'-GGTCCCTTCCTGCTAAGGAAGCACTCACTTGGACATCTTCCTGCGTTTTTTCTCCTCAGC[C>G]TTGGCCTTCTGGGCAGAAGTCAGGCTCTCCGCCTCGGCCAGGTTGTCCACGGCAATGGCC-3'
Protein context (NP_000060.2, residues 667-687): AESLTSAQKA[Lys677Asn]AEEKKRRKMS